The following is an entry in ClinVar:

NM_021096.4(CACNA1I):c.1115_1117del (p.Phe372del)

Gene: CACNA1I (calcium voltage-gated channel subunit alpha1 I; plus strand). Cytogenetic location: 22q13.1.
Variant type: Deletion.
Coding change: c.1115_1117del on transcript NM_021096.4 (MANE Select); coding-DNA positions 1115 to 1117, 3 bases deleted (TCT; older notation c.1115_1117delTCT).
Protein change: p.Phe372del; deletes phenylalanine 372.
Molecular consequence: inframe deletion.
Genome position (GRCh38, 1-based): chr22:39,642,855-39,642,857, TCT deleted; deleting any 3 consecutive bases within chr22:39,642,853-39,642,857 gives the same sequence; the c. name uses the placement nearest the transcript's 3' end. VCF-style (leftmost placement, unchanged base first): chr22-39642852-CCTT-C. GRCh37 (hg19) VCF-style: chr22-40038857-CCTT-C.
Other names: c.1115_1117del, p.Phe372del (NM_001003406.2); short protein forms F372del.
Identifiers: ClinVar variation 4976273 (VCV004976273.1).

ClinVar aggregate classification (germline): Uncertain significance (1 of 4 stars; one submission).

Submission:

GeneDx
Classification: Uncertain significance. Last evaluated: 2026-02-04. Review status: criteria provided, single submitter. Criteria: GeneDx Variant Classification Process June 2021. Collection method: clinical testing. Allele origin: germline.
Comment: In-frame deletion of 1 amino acid in a non-repeat region; Not observed at significant frequency in large population cohorts (gnomAD); In silico analysis supports a deleterious effect on protein structure/function; Has not been previously published as pathogenic or benign to our knowledge